The following is an entry in ClinVar:

ClinVar aggregate classification (germline): Uncertain significance (1 of 4 stars; one submission).

Allele frequency attached by ClinVar (database versions not stated): gnomAD exomes below 0.00001 and 0.00001; gnomAD 0.00001; TOPMed 0.00002.

Submission:

Labcorp Genetics (formerly Invitae), Labcorp
Classification: Uncertain significance. Last evaluated: 2025-06-20. Review status: criteria provided, single submitter. Criteria: Invitae Variant Classification Sherloc (09022015). Collection method: clinical testing. Allele origin: germline.
Comment: This sequence change replaces threonine, which is neutral and polar, with methionine, which is neutral and non-polar, at codon 873 of the SLC12A1 protein (p.Thr873Met). This variant is present in population databases (no rsID available, gnomAD 0.003%). This variant has not been reported in the literature in individuals affected with SLC12A1-related conditions. ClinVar contains an entry for this variant (Variation ID: 1414216). Invitae Evidence Modeling of protein sequence and biophysical properties (such as structural, functional, and spatial information, amino acid conservation, physicochemical variation, residue mobility, and thermodynamic stability) indicates that this missense variant is not expected to disrupt SLC12A1 protein function with a negative predictive value of 95%. In summary, the available evidence is currently insufficient to determine the role of this variant in disease. Therefore, it has been classified as a Variant of Uncertain Significance.

NM_000338.3(SLC12A1):c.2618C>T (p.Thr873Met)

Gene: SLC12A1 (solute carrier family 12 member 1; plus strand). Cytogenetic location: 15q21.1.
Variant type: single nucleotide variant.
Coding change: c.2618C>T on transcript NM_000338.3 (MANE Select); coding-DNA position 2618, C replaced by T.
Protein change: p.Thr873Met; replaces threonine 873 with methionine.
Molecular consequence: missense variant.
Genome position (GRCh38, 1-based): chr15:48,285,238, C>T. VCF-style: chr15-48285238-C-T. GRCh37 (hg19) VCF-style: chr15-48577435-C-T.
Other names: c.2618C>T, p.Thr873Met (NM_001184832.2, NM_001384136.1); short protein forms T873M.
Identifiers: ClinVar variation 1414216 (VCV001414216.4), dbSNP rs1490342277, ClinGen allele CA392317418.